The following is an entry in ClinVar:

NM_005257.6(GATA6):c.844_876del (p.Tyr282_Gly292del)

Gene: GATA6 (GATA binding protein 6; plus strand). Cytogenetic location: 18q11.2.
Variant type: Deletion.
Coding change: c.844_876del on transcript NM_005257.6 (MANE Select); coding-DNA positions 844 to 876, 33 bases deleted.
Protein change: p.Tyr282_Gly292del.
Genome position (GRCh38, 1-based): chr18:22,171,988-22,172,020, 33 bases deleted; deleting any 33 consecutive bases within chr18:22,171,980-22,172,020 gives the same sequence; the c. name uses the placement nearest the transcript's 3' end. GRCh37 (hg19): chr18:19,751,949-19,751,981.
Identifiers: ClinVar variation 3680592 (VCV003680592.2).

ClinVar aggregate classification (germline): Uncertain significance (1 of 4 stars; one submission).

Conditions:
Atrioventricular septal defect 5 (AVSD5). Identifiers: MedGen C3280939, MONDO:0013769, OMIM 614474.

Submission:

Labcorp Genetics (formerly Invitae), Labcorp
Classification: Uncertain significance for Atrioventricular septal defect 5. Last evaluated: 2024-12-17. Review status: criteria provided, single submitter. Criteria: Invitae Variant Classification Sherloc (09022015). Collection method: clinical testing. Allele origin: germline.
Comment: This variant, c.844_876del, results in the deletion of 11 amino acid(s) of the GATA6 protein (p.Tyr282_Gly292del), but otherwise preserves the integrity of the reading frame. This variant is not present in population databases (gnomAD no frequency). This variant has not been reported in the literature in individuals affected with GATA6-related conditions. Experimental studies and prediction algorithms are not available or were not evaluated, and the functional significance of this variant is currently unknown. In summary, the available evidence is currently insufficient to determine the role of this variant in disease. Therefore, it has been classified as a Variant of Uncertain Significance.